The following is an entry in ClinVar:

ClinVar aggregate classification (germline): Uncertain significance (1 of 4 stars; one submission).

Conditions:
Marfan syndrome (MFS). Also called: MARFAN SYNDROME, TYPE I; Marfan syndrome type 1; Marfan's syndrome; Marfan syndrome, classic; FBN1-Related Marfan Syndrome. Identifiers: Orphanet 284963, Orphanet 558, MedGen C0024796, MONDO:0007947, OMIM 154700.

Allele frequency attached by ClinVar (database versions not stated): gnomAD exomes below 0.00001.
gnomAD v4.1: 1 of 1,614,040 alleles (0.000062%); highest among the groups gnomAD compares: Non-Finnish European, 0.000085%; no homozygotes.

Submission:

MVZ Medizinische Genetik Mainz
Classification: Uncertain significance for Marfan syndrome. Last evaluated: 2024-03-06. Review status: criteria provided, single submitter. Criteria: UK Practice Guidelines For Variant Classification V4 01 2020. Collection method: clinical testing. Allele origin: germline. Inheritance: Autosomal dominant inheritance. Affected: yes. Observed: 1 variant allele.
Comment: ACMG Criteria: PM2_SUP,PP3

NM_000138.5(FBN1):c.512G>A (p.Gly171Glu)

Gene: FBN1 (fibrillin 1; minus strand). Cytogenetic location: 15q21.1.
Variant type: single nucleotide variant.
Coding change: c.512G>A on transcript NM_000138.5 (MANE Select); coding-DNA position 512, G replaced by A.
Protein change: p.Gly171Glu; replaces glycine 171 with glutamic acid.
Molecular consequence: missense variant.
Genome position (GRCh38, 1-based): chr15:48,596,309, C>T on the plus strand (G>A on the coding strand, the complement: FBN1 is on the minus strand). VCF-style: chr15-48596309-C-T. GRCh37 (hg19) VCF-style: chr15-48888506-C-T.
Other names: c.512G>A, p.Gly171Glu (NM_001406716.1, NM_001406717.1); short protein forms G171E.
Identifiers: ClinVar variation 3236368 (VCV003236368.1), dbSNP rs2505754739, ClinGen allele CA392446277.